The following is an entry in ClinVar:

ClinVar aggregate classification (germline): Likely benign. Review status: criteria provided, single submitter (1 of 4 stars). 2 submissions from 2 submitters: Likely benign (1). 1 of the submissions does not count toward it. Last evaluated 2025-07-23.

Conditions:
NDUFA4-related disorder. Also called: NDUFA4-related condition.

Allele frequency attached by ClinVar (database versions not stated): TOPMed 0.00012; gnomAD 0.00017; gnomAD exomes 0.00024; ESP Exome Variant Server 0.00038.
gnomAD v4.1: 373 of 1,600,938 alleles (0.023%); highest among the groups gnomAD compares: Non-Finnish European, 0.03%; no homozygotes.

Submissions (2):

Labcorp Genetics (formerly Invitae), Labcorp
Classification: Likely benign. Last evaluated: 2025-07-23. Review status: criteria provided, single submitter. Criteria: Invitae Variant Classification Sherloc (09022015). Collection method: clinical testing. Allele origin: germline.

PreventionGenetics, part of Exact Sciences
Classification: Likely benign for NDUFA4-related condition. Last evaluated: 2020-02-25. Review status: no assertion criteria provided. Collection method: clinical testing. Allele origin: germline. Not counted in ClinVar's aggregate classification.
Comment: This variant is classified as likely benign based on ACMG/AMP sequence variant interpretation guidelines (Richards et al. 2015 PMID: 25741868, with internal and published modifications).

NM_002489.4(COXFA4):c.190-8G>C

Gene: COXFA4 (cytochrome c oxidase associated subunit FA4; minus strand). Cytogenetic location: 7p21.3.
Variant type: single nucleotide variant.
Coding change: c.190-8G>C on transcript NM_002489.4 (MANE Select); 8 bases into the intron before coding-DNA position 190, G replaced by C.
Molecular consequence: intron variant.
Genome position (GRCh38, 1-based): chr7:10,933,700, C>G on the plus strand (G>C on the coding strand, the complement: COXFA4 is on the minus strand). VCF-style: chr7-10933700-C-G. GRCh37 (hg19) VCF-style: chr7-10973327-C-G.
Other names: c.190-8G>C (NM_002489.3).
Identifiers: ClinVar variation 2155249 (VCV002155249.6), dbSNP rs200397259, ClinGen allele CA4162544.